The following is an entry in ClinVar:

ClinVar aggregate classification (germline): Uncertain significance. Review status: criteria provided, single submitter (1 of 4 stars). 2 submissions from 2 submitters: Uncertain significance (1). 1 of the submissions does not count toward it. Last evaluated 2018-06-25.

Conditions:
Hereditary cancer-predisposing syndrome. Also called: Neoplastic Syndromes, Hereditary; Tumor predisposition; Hereditary Cancer Syndrome; Hereditary neoplastic syndrome. Identifiers: Orphanet 140162, MedGen C0027672, MeSH D009386, MONDO:0015356.
MSH6-related disorder. Also called: MSH6-related condition; MSH6-Related disorders.

Submissions (2):

Ambry Genetics
Classification: Uncertain significance for Hereditary cancer-predisposing syndrome. Last evaluated: 2018-06-25. Review status: criteria provided, single submitter. Criteria: Ambry Variant Classification Scheme 2023. Collection method: clinical testing. Allele origin: germline.
Comment: The p.G31C variant (also known as c.91G>T), located in coding exon 1 of the MSH6 gene, results from a G to T substitution at nucleotide position 91. The glycine at codon 31 is replaced by cysteine, an amino acid with highly dissimilar properties. This amino acid position is not well conserved in available vertebrate species. In addition, this alteration is predicted to be tolerated by in silico analysis. Since supporting evidence is limited at this time, the clinical significance of this alteration remains unclear.

PreventionGenetics, part of Exact Sciences
Classification: Uncertain significance for MSH6-related condition. Last evaluated: 2024-03-05. Review status: no assertion criteria provided. Collection method: clinical testing. Allele origin: germline. Not counted in ClinVar's aggregate classification.
Comment: The MSH6 c.91G>T variant is predicted to result in the amino acid substitution p.Gly31Cys. To our knowledge, this variant has not been reported in the literature or in a large population database, indicating this variant is rare. This variant is interpreted as uncertain significance in ClinVar. At this time, the clinical significance of this variant is uncertain due to the absence of conclusive functional and genetic evidence.

NM_000179.3(MSH6):c.91G>T (p.Gly31Cys)

Gene: MSH6 (mutS homolog 6; plus strand). Cytogenetic location: 2p16.3.
Variant type: single nucleotide variant.
Coding change: c.91G>T on transcript NM_000179.3 (MANE Select); coding-DNA position 91, G replaced by T.
Protein change: p.Gly31Cys; replaces glycine 31 with cysteine.
Molecular consequence: missense variant. On other transcripts: 5 prime UTR variant (1).
Genome position (GRCh38, 1-based): chr2:47,783,324, G>T. VCF-style: chr2-47783324-G-T. GRCh37 (hg19) VCF-style: chr2-48010463-G-T.
Other names: c.91G>T, p.Gly31Cys (NM_001281492.2); c.-646G>T (NM_001281493.2); short protein forms G31C.
Identifiers: ClinVar variation 483796 (VCV000483796.6), dbSNP rs1553408183, ClinGen allele CA346734821.
Genomic context (GRCh38, chr2:47,783,324, plus strand): 5'-TTCCCCAAGTCTCCGGCGCTGAGTGATGCCAACAAGGCCTCGGCCAGGGCCTCACGCGAA[G>T]GCGGCCGTGCCGCCGCTGCCCCCGGGGCCTCTCCTTCCCCAGGCGGGGATGCGGCCTGGA-3'
Protein context (NP_000170.1, residues 21-41): NKASARASRE[Gly31Cys]GRAAAAPGAS